The following is an entry in ClinVar:

ClinVar aggregate classification (germline): Uncertain significance (1 of 4 stars; one submission).

gnomAD v4.1: 3 of 1,613,022 alleles (0.00019%); highest among the groups gnomAD compares: African/African-American, 0.004%; no homozygotes.

Submission:

Ambry Genetics
Classification: Uncertain significance. Last evaluated: 2024-11-26. Review status: criteria provided, single submitter. Criteria: Ambry Variant Classification Scheme 2023. Collection method: clinical testing. Allele origin: germline.
Comment: The p.A845V variant (also known as c.2534C>T), located in coding exon 11 of the WNK2 gene, results from a C to T substitution at nucleotide position 2534. The alanine at codon 845 is replaced by valine, an amino acid with similar properties. This amino acid position is conserved. In addition, this alteration is predicted to be tolerated by in silico analysis. Based on the available evidence, the clinical significance of this variant remains unclear.

NM_006648.4(WNK2):c.2534C>T (p.Ala845Val)

Gene: WNK2 (WNK lysine deficient protein kinase 2; plus strand). Cytogenetic location: 9q22.31.
Variant type: single nucleotide variant.
Coding change: c.2534C>T on transcript NM_006648.4 (MANE Select); coding-DNA position 2534, C replaced by T.
Protein change: p.Ala845Val; replaces alanine 845 with valine.
Molecular consequence: missense variant.
Genome position (GRCh38, 1-based): chr9:93,259,082, C>T. VCF-style: chr9-93259082-C-T. GRCh37 (hg19) VCF-style: chr9-96021364-C-T.
Other names: c.2534C>T, p.Ala845Val (NM_001282394.3); short protein forms A845V.
Identifiers: ClinVar variation 3470458 (VCV003470458.1).
Genomic context (GRCh38, chr9:93,259,082, plus strand): 5'-TGCCTCCCGTGCCACCACCTCAGTATTTCTCTCCAGCCGTGATCTTGCCGAGCCTCGCTG[C>T]CCCACTCCCCCCTGCGTCCCCAGCCTTGCCTCTGCAGGCTGTGAAGCTGCCCCACCCCCC-3'
Protein context (NP_006639.3, residues 835-855): SPAVILPSLA[Ala845Val]PLPPASPALP